The following is an entry in ClinVar:

ClinVar aggregate classification (germline): Pathogenic (1 of 4 stars; one submission).

Submission:

Labcorp Genetics (formerly Invitae), Labcorp
Classification: Pathogenic. Last evaluated: 2019-09-12. Review status: criteria provided, single submitter. Criteria: Invitae Variant Classification Sherloc (09022015). Collection method: clinical testing. Allele origin: germline.
Comment: A gross deletion of the genomic region encompassing the full coding sequence of the NTHL1 gene has been identified. The boundaries of this event are unknown as the deletion extends beyond the assayed region for this gene and therefore may encompass additional genes. This variant has not been reported in the literature in individuals with NTHL1-related conditions. Loss-of-function variants in NTHL1 are known to be pathogenic (PMID: 25938944, 26559593). For these reasons, this variant has been classified as Pathogenic.

NC_000016.10:g.(?_2039924)_(2080387_?)del

Genes: NTHL1 (nth like DNA glycosylase 1; minus strand), TSC2 (TSC complex subunit 2; plus strand). Cytogenetic location: 16p13.3.
Variant type: Deletion.
Identifiers: ClinVar variation 831875 (VCV000831875.1).